The following is an entry in ClinVar:

ClinVar aggregate classification (germline): Benign/Likely benign. Review status: criteria provided, multiple submitters, no conflicts (2 of 4 stars). 3 submissions from 3 submitters: Benign (2); Likely benign (1). Last evaluated 2026-02-03.

Allele frequency attached by ClinVar (database versions not stated): 1000 Genomes Project 30x 0.00047; gnomAD 0.00056 and 0.00058; 1000 Genomes Project 0.00060; gnomAD exomes 0.00061 and 0.00318; TOPMed 0.00143; ExAC 0.00236.
gnomAD v4.1: 964 of 1,611,594 alleles (0.06%); highest among the groups gnomAD compares: Admixed American, 1.5%; 20 homozygotes.

Submissions (3):

Labcorp Genetics (formerly Invitae), Labcorp
Classification: Benign. Last evaluated: 2026-02-03. Review status: criteria provided, single submitter. Criteria: Invitae Variant Classification Sherloc (09022015). Collection method: clinical testing. Allele origin: germline.

Mayo Clinic Laboratories, Mayo Clinic
Classification: Benign. Last evaluated: 2024-12-03. Review status: criteria provided, single submitter. Criteria: ACMG Guidelines, 2015. Collection method: clinical testing. Allele origin: germline. Observed: 2 variant alleles.
Comment: BS1, BS2, BP4, BP7

GeneDx
Classification: Likely benign. Last evaluated: 2020-11-27. Review status: criteria provided, single submitter. Criteria: GeneDx Variant Classification Process June 2021. Collection method: clinical testing. Allele origin: germline. Affected: yes.

NM_004958.4(MTOR):c.4260T>C (p.Asn1420=)

Gene: MTOR (mechanistic target of rapamycin kinase; minus strand). Cytogenetic location: 1p36.22.
Variant type: single nucleotide variant.
Coding change: c.4260T>C on transcript NM_004958.4 (MANE Select); coding-DNA position 4260, T replaced by C.
Protein change: p.Asn1420=; no amino-acid change (asparagine 1420 retained).
Molecular consequence: synonymous variant.
Genome position (GRCh38, 1-based): chr1:11,167,511, A>G on the plus strand (T>C on the coding strand, the complement: MTOR is on the minus strand). VCF-style: chr1-11167511-A-G. GRCh37 (hg19) VCF-style: chr1-11227568-A-G.
Other names: p.Asn1420=; c.4260T>C (LRG_734t1).
Identifiers: ClinVar variation 240079 (VCV000240079.15), dbSNP rs191550317, ClinGen allele CA589680.
Genomic context (GRCh38, chr1:11,167,511, plus strand): 5'-AAAGTGTTTCATGGCATATTCTAACACTCCGGCCGCTGCCTCCGGCTGCTGTAGCTTATT[A>G]TTAATGCTGAGAAAACAAAGGGAAAAGGTAGTTACACTCAACAGGTCTGAGGGTAGGAGA-3'
Protein context (NP_004949.1, residues 1410-1430): PAILESLISI[Asn1420=]NKLQQPEAAA